The following is an entry in ClinVar:

NM_001256789.3(CACNA1F):c.3725C>T (p.Ala1242Val)

Gene: CACNA1F (calcium voltage-gated channel subunit alpha1 F; minus strand). Cytogenetic location: Xp11.23.
Variant type: single nucleotide variant.
Coding change: c.3725C>T on transcript NM_001256789.3 (MANE Select); coding-DNA position 3725, C replaced by T.
Protein change: p.Ala1242Val; replaces alanine 1242 with valine.
Molecular consequence: missense variant.
Genome position (GRCh38, 1-based): chrX:49,213,886, G>A on the plus strand (C>T on the coding strand, the complement: CACNA1F is on the minus strand). VCF-style: chrX-49213886-G-A. GRCh37 (hg19) VCF-style: chrX-49070346-G-A.
Other names: c.3725C>T (NM_001256789.2); c.3563C>T, p.Ala1188Val (NM_001256790.3); c.3758C>T, p.Ala1253Val (NM_005183.4); short protein forms A1242V, A1188V, A1253V.
Identifiers: ClinVar variation 1970715 (VCV001970715.6), dbSNP rs201256297, ClinGen allele CA10410385.
Genomic context (GRCh38, chrX:49,213,886, plus strand): 5'-TCAGTGACGGCAATATCCACTATGCTGCCCACCACAATAAGAGCGTCAAACGTGTTCCAG[G>A]CATCAGTGAAGTAATGCTGCAAGTAGGAGAAAAGCAGTGCCCTGTCTTCTCAAAGCTCGC-3'
Protein context (NP_001243718.1, residues 1232-1252): AFKPKHYFTD[Ala1242Val]WNTFDALIVV

ClinVar aggregate classification (germline): Uncertain significance. Review status: criteria provided, multiple submitters, no conflicts (2 of 4 stars). 2 submissions from 2 submitters: Uncertain significance (2). Last evaluated 2024-09-21.

Conditions:
Congenital stationary night blindness 2A (CSNB2A). Also called: CSNB, INCOMPLETE, X-LINKED; Night blindness, congenital stationary (incomplete), 2A, X-linked; CACNA1F-Related X-Linked Congenital Stationary Night Blindness; NIGHT BLINDNESS, CONGENITAL STATIONARY, TYPE 2. Identifiers: Orphanet 215, MedGen C1848172, MONDO:0010241, OMIM 300071.

Allele frequency attached by ClinVar (database versions not stated): gnomAD 0.00001; TOPMed 0.00002; ExAC 0.00008; 1000 Genomes Project 30x 0.00021; 1000 Genomes Project 0.00026.

Submissions (2):

Labcorp Genetics (formerly Invitae), Labcorp
Classification: Uncertain significance. Last evaluated: 2024-09-21. Review status: criteria provided, single submitter. Criteria: Invitae Variant Classification Sherloc (09022015). Collection method: clinical testing. Allele origin: germline.
Comment: This sequence change replaces alanine, which is neutral and non-polar, with valine, which is neutral and non-polar, at codon 1253 of the CACNA1F protein (p.Ala1253Val). This variant is present in population databases (rs201256297, gnomAD 0.03%). This variant has not been reported in the literature in individuals affected with CACNA1F-related conditions. ClinVar contains an entry for this variant (Variation ID: 1970715). Invitae Evidence Modeling of protein sequence and biophysical properties (such as structural, functional, and spatial information, amino acid conservation, physicochemical variation, residue mobility, and thermodynamic stability) indicates that this missense variant is not expected to disrupt CACNA1F protein function with a negative predictive value of 80%. In summary, the available evidence is currently insufficient to determine the role of this variant in disease. Therefore, it has been classified as a Variant of Uncertain Significance.

Victorian Clinical Genetics Services, Murdoch Childrens Research Institute
Classification: Uncertain significance for Congenital stationary night blindness 2A. Last evaluated: 2023-07-16. Review status: criteria provided, single submitter. Criteria: ACMG Guidelines, 2015. Collection method: clinical testing. Allele origin: germline. Inheritance: X-linked inheritance. Affected: yes.
Comment: Based on the classification scheme VCGS_Germline_v1.3.4, this variant is classified as VUS-3B. Following criteria are met: 0103 - Loss of function and gain of function are known mechanisms of disease in this gene and are associated with cone-rod dystrophy 3 (MIM#300476), night blindness, congenital stationary (incomplete), 2A (MIM#300071) and Aland Island eye disease (MIM#300600). These conditions have been described as part of a continuous spectrum (PMID: 28002560). Missense variants have been reported with either a loss- or gain of function mechanism (PMID: 15897456). (I) 0108 - This gene is associated with both recessive and dominant disease. Heterozygous females have been described as asymptomatic, or as mildly affected, likely due to X-inactivation (PMID: 15897456; PMID: 31651202). (I) 0115 - Variants in this gene are known to have variable expressivity (GeneReviews). (I) 0200 - Variant is predicted to result in a missense amino acid change from alanine to valine. (I) 0253 - This variant is hemizygous. (I) 0304 - Variant is present in gnomAD (v2) <0.01 (5 heterozygotes, 0 homozygotes, 1 hemizygote). (SP) 0501 - Missense variant consistently predicted to be damaging by multiple in silico tools or highly conserved with a major amino acid change. (SP) 0600 - Variant is located in the annotated ion transporter domain (DECIPHER). (I) 0705 - No comparable missense variants have previous evidence for pathogenicity. (I) 0807 - This variant has no previous evidence of pathogenicity. (I) 0905 - No published segregation evidence has been identified for this variant. (I) 1007 - No published functional evidence has been identified for this variant. (I) Legend: (SP) - Supporting pathogenic, (I) - Information, (SB) - Supporting benign

Literature cited by the submitters: PubMed 15897456 (cited by Victorian Clinical Genetics Services, Murdoch Childrens Research Institute); PubMed 28002560 (cited by Victorian Clinical Genetics Services, Murdoch Childrens Research Institute); PubMed 31651202 (cited by Victorian Clinical Genetics Services, Murdoch Childrens Research Institute).